The following is an entry in ClinVar:

ClinVar aggregate classification (germline): Uncertain significance. Review status: criteria provided, multiple submitters, no conflicts (2 of 4 stars). 2 submissions from 2 submitters: Uncertain significance (2). Last evaluated 2024-05-29.

Conditions:
Pallister-Hall syndrome (PHS). Also called: HYPOTHALAMIC HAMARTOBLASTOMA, HYPOPITUITARISM, IMPERFORATE ANUS, AND POSTAXIAL POLYDACTYLY; GLI3-Related Pallister-Hall Syndrome. Identifiers: Orphanet 672, MedGen C0265220, MONDO:0007804, OMIM 146510.
Greig cephalopolysyndactyly syndrome (GCPS). Also called: Greig syndrome; GLI3-Related Greig Cephalopolysyndactyly Syndrome; POLYSYNDACTYLY WITH PECULIAR SKULL SHAPE. Identifiers: Orphanet 380, MedGen C0265306, MONDO:0008287, OMIM 175700.
Inborn genetic diseases. Identifiers: MedGen C0950123, MeSH D030342.

Allele frequency attached by ClinVar (database versions not stated): gnomAD exomes below 0.00001; TOPMed 0.00001.
gnomAD v4.1: 1 of 1,613,898 alleles (0.000062%); highest among the groups gnomAD compares: Admixed American, 0.0017%; no homozygotes.

Submissions (2):

Labcorp Genetics (formerly Invitae), Labcorp
Classification: Uncertain significance for Pallister-Hall syndrome; Greig cephalopolysyndactyly syndrome. Last evaluated: 2024-05-29. Review status: criteria provided, single submitter. Criteria: Invitae Variant Classification Sherloc (09022015). Collection method: clinical testing. Allele origin: germline.
Comment: This sequence change replaces glycine, which is neutral and non-polar, with glutamic acid, which is acidic and polar, at codon 1346 of the GLI3 protein (p.Gly1346Glu). This variant is not present in population databases (gnomAD no frequency). This variant has not been reported in the literature in individuals affected with GLI3-related conditions. ClinVar contains an entry for this variant (Variation ID: 2139952). Advanced modeling of protein sequence and biophysical properties (such as structural, functional, and spatial information, amino acid conservation, physicochemical variation, residue mobility, and thermodynamic stability) performed at Invitae indicates that this missense variant is not expected to disrupt GLI3 protein function with a negative predictive value of 80%. In summary, the available evidence is currently insufficient to determine the role of this variant in disease. Therefore, it has been classified as a Variant of Uncertain Significance.

Ambry Genetics
Classification: Uncertain significance for Inborn genetic diseases. Last evaluated: 2022-04-07. Review status: criteria provided, single submitter. Criteria: Ambry Variant Classification Scheme 2023. Collection method: clinical testing. Allele origin: germline.

NM_000168.6(GLI3):c.4037G>A (p.Gly1346Glu)

Gene: GLI3 (GLI family zinc finger 3; minus strand). Cytogenetic location: 7p14.1.
Variant type: single nucleotide variant.
Coding change: c.4037G>A on transcript NM_000168.6 (MANE Select); coding-DNA position 4037, G replaced by A.
Protein change: p.Gly1346Glu; replaces glycine 1346 with glutamic acid.
Molecular consequence: missense variant.
Genome position (GRCh38, 1-based): chr7:41,965,036, C>T on the plus strand (G>A on the coding strand, the complement: GLI3 is on the minus strand). VCF-style: chr7-41965036-C-T. GRCh37 (hg19) VCF-style: chr7-42004634-C-T.
Other names: c.4037G>A (NM_000168.5); short protein forms G1346E.
Identifiers: ClinVar variation 2139952 (VCV002139952.5), dbSNP rs1229861911, ClinGen allele CA367315906.
Genomic context (GRCh38, chr7:41,965,036, plus strand): 5'-CCTGGCAGGCAGCTCTCTGGCCCTTGGTAGATGTTGATGTGTGAGGTAGCACTAATCTGC[C>T]CAAGCATCTGCTGACCGGGGCGGCCTGCCCCCGGGTGCTGCATGCTGTCGCCGAGGAGCT-3'
Protein context (NP_000159.3, residues 1336-1356): GAGRPGQQML[Gly1346Glu]QISATSHINI